The following is an entry in ClinVar:

NM_183235.3(RAB27A):c.529C>T (p.Leu177Phe)

Gene: RAB27A (RAB27A, member RAS oncogene family; minus strand). Cytogenetic location: 15q21.3.
Variant type: single nucleotide variant.
Coding change: c.529C>T on transcript NM_183235.3 (MANE Select); coding-DNA position 529, C replaced by T.
Protein change: p.Leu177Phe; replaces leucine 177 with phenylalanine.
Molecular consequence: missense variant.
Genome position (GRCh38, 1-based): chr15:55,205,644, G>A on the plus strand (C>T on the coding strand, the complement: RAB27A is on the minus strand). VCF-style: chr15-55205644-G-A. GRCh37 (hg19) VCF-style: chr15-55497842-G-A.
Other names: c.529C>T, p.Leu177Phe (NM_004580.5, NM_183234.3, NM_183236.3); short protein forms L177F.
Identifiers: ClinVar variation 1356986 (VCV001356986.8), dbSNP rs2140891385, ClinGen allele CA392781960.

ClinVar aggregate classification (germline): Uncertain significance (1 of 4 stars; one submission).

Conditions:
Griscelli syndrome type 2 (GS2). Also called: PAID SYNDROME; PARTIAL ALBINISM AND IMMUNODEFICIENCY SYNDROME; GRISCELLI SYNDROME WITH HEMOPHAGOCYTIC SYNDROME. Identifiers: Orphanet 381, Orphanet 79477, MedGen C1868679, MONDO:0011872, OMIM 607624.

Allele frequency attached by ClinVar (database versions not stated): gnomAD exomes below 0.00001.
gnomAD v4.1: 1 of 1,614,070 alleles (0.000062%); highest among the groups gnomAD compares: Non-Finnish European, 0.000085%; no homozygotes.

Submission:

Labcorp Genetics (formerly Invitae), Labcorp
Classification: Uncertain significance for Griscelli syndrome type 2. Last evaluated: 2021-05-28. Review status: criteria provided, single submitter. Criteria: Invitae Variant Classification Sherloc (09022015). Collection method: clinical testing. Allele origin: germline.
Comment: In summary, the available evidence is currently insufficient to determine the role of this variant in disease. Therefore, it has been classified as a Variant of Uncertain Significance. Advanced modeling of protein sequence and biophysical properties (such as structural, functional, and spatial information, amino acid conservation, physicochemical variation, residue mobility, and thermodynamic stability) performed at Invitae indicates that this missense variant is expected to disrupt RAB27A protein function. This variant has not been reported in the literature in individuals with RAB27A-related conditions. This variant is not present in population databases (ExAC no frequency). This sequence change replaces leucine with phenylalanine at codon 177 of the RAB27A protein (p.Leu177Phe). The leucine residue is highly conserved and there is a small physicochemical difference between leucine and phenylalanine.